The following is an entry in ClinVar:

ClinVar aggregate classification (germline): Uncertain significance (1 of 4 stars; one submission).

Conditions:
Developmental and epileptic encephalopathy, 21 (DEE21). Also called: Early infantile epileptic encephalopathy 21. Identifiers: Orphanet 442835, MedGen C4014430, MONDO:0014360, OMIM 615833.

Submission:

Labcorp Genetics (formerly Invitae), Labcorp
Classification: Uncertain significance for Developmental and epileptic encephalopathy, 21. Last evaluated: 2021-05-08. Review status: criteria provided, single submitter. Criteria: Invitae Variant Classification Sherloc (09022015). Collection method: clinical testing. Allele origin: germline.
Comment: In summary, the available evidence is currently insufficient to determine the role of this variant in disease. Therefore, it has been classified as a Variant of Uncertain Significance. Algorithms developed to predict the effect of missense changes on protein structure and function are either unavailable or do not agree on the potential impact of this missense change (SIFT: "Not Available"; PolyPhen-2: "Benign"; Align-GVGD: "Not Available"). This variant has not been reported in the literature in individuals with NECAP1-related conditions. This variant is not present in population databases (ExAC no frequency). This sequence change replaces serine with phenylalanine at codon 218 of the NECAP1 protein (p.Ser218Phe). The serine residue is weakly conserved and there is a large physicochemical difference between serine and phenylalanine.

NM_015509.4(NECAP1):c.653C>T (p.Ser218Phe)

Gene: NECAP1 (NECAP endocytosis associated 1; plus strand). Cytogenetic location: 12p13.31.
Variant type: single nucleotide variant.
Coding change: c.653C>T on transcript NM_015509.4 (MANE Select); coding-DNA position 653, C replaced by T.
Protein change: p.Ser218Phe; replaces serine 218 with phenylalanine.
Molecular consequence: missense variant. On other transcripts: non-coding transcript variant (1).
Genome position (GRCh38, 1-based): chr12:8,093,032, C>T. VCF-style: chr12-8093032-C-T. GRCh37 (hg19) VCF-style: chr12-8245628-C-T.
Other names: short protein forms S218F.
Identifiers: ClinVar variation 1474314 (VCV001474314.6), dbSNP rs371472296, ClinGen allele CA383801146.